The following is an entry in ClinVar:

ClinVar aggregate classification (germline): Uncertain significance. Review status: criteria provided, multiple submitters, no conflicts (2 of 4 stars). 3 submissions from 3 submitters: Uncertain significance (3). Last evaluated 2025-11-12.

Conditions:
Inborn genetic diseases. Identifiers: MedGen C0950123, MeSH D030342.

gnomAD v4.1: 57 of 1,607,096 alleles (0.0035%); highest among the groups gnomAD compares: African/African-American, 0.024%; no homozygotes.

Submissions (3):

Ambry Genetics
Classification: Uncertain significance for Inborn genetic diseases. Last evaluated: 2025-11-12. Review status: criteria provided, single submitter. Criteria: Ambry Variant Classification Scheme 2023. Collection method: clinical testing. Allele origin: germline.

Labcorp Genetics (formerly Invitae), Labcorp
Classification: Uncertain significance. Last evaluated: 2025-05-12. Review status: criteria provided, single submitter. Criteria: Invitae Variant Classification Sherloc (09022015). Collection method: clinical testing. Allele origin: germline.
Comment: This sequence change replaces serine, which is neutral and polar, with leucine, which is neutral and non-polar, at codon 816 of the MAPKBP1 protein (p.Ser816Leu). This variant is present in population databases (rs535630326, gnomAD 0.02%). This variant has not been reported in the literature in individuals affected with MAPKBP1-related conditions. ClinVar contains an entry for this variant (Variation ID: 1510513). An algorithm developed to predict the effect of missense changes on protein structure and function outputs the following: PolyPhen-2: "Benign". The leucine amino acid residue is found in multiple mammalian species, which suggests that this missense change does not adversely affect protein function. In summary, the available evidence is currently insufficient to determine the role of this variant in disease. Therefore, it has been classified as a Variant of Uncertain Significance.

Breakthrough Genomics
Classification: Uncertain significance. Review status: criteria provided, single submitter. Criteria: ACMG Guidelines, 2015. Collection method: not provided. Allele origin: germline. Inheritance: Autosomal recessive inheritance. Affected: yes.

NM_014994.3(MAPKBP1):c.2429C>T (p.Ser810Leu)

Gene: MAPKBP1 (mitogen-activated protein kinase binding protein 1; plus strand). Cytogenetic location: 15q15.1.
Variant type: single nucleotide variant.
Coding change: c.2429C>T on transcript NM_014994.3 (MANE Select); coding-DNA position 2429, C replaced by T.
Protein change: p.Ser810Leu; replaces serine 810 with leucine.
Molecular consequence: missense variant. On other transcripts: non-coding transcript variant (2).
Genome position (GRCh38, 1-based): chr15:41,819,598, C>T. VCF-style: chr15-41819598-C-T. GRCh37 (hg19) VCF-style: chr15-42111796-C-T.
Other names: c.2447C>T, p.Ser816Leu (NM_001128608.2); c.2429C>T, p.Ser810Leu (NM_001265611.2); c.2447C>T (NM_001128608.1); short protein forms S810L, S816L.
Identifiers: ClinVar variation 1510513 (VCV001510513.11), dbSNP rs535630326, ClinGen allele CA7498259.